The following is an entry in ClinVar:

ClinVar aggregate classification (germline): Pathogenic (1 of 4 stars; one submission).

Conditions:
Medium-chain acyl-coenzyme A dehydrogenase deficiency (ACADMD). Also called: ACADM DEFICIENCY; CARNITINE DEFICIENCY SECONDARY TO MEDIUM-CHAIN ACYL-CoA DEHYDROGENASE DEFICIENCY; Medium chain acyl-CoA dehydrogenase deficiency; MCADH DEFICIENCY; MCADD; MCAD Deficiency. Identifiers: Orphanet 42, MedGen C0220710, MONDO:0008721, OMIM 201450.

Submission:

Labcorp Genetics (formerly Invitae), Labcorp
Classification: Pathogenic for Medium-chain acyl-coenzyme A dehydrogenase deficiency. Last evaluated: 2024-05-06. Review status: criteria provided, single submitter. Criteria: Invitae Variant Classification Sherloc (09022015). Collection method: clinical testing. Allele origin: germline.
Comment: This sequence change affects an acceptor splice site in intron 9 of the ACADM gene. It is expected to disrupt RNA splicing. Variants that disrupt the donor or acceptor splice site typically lead to a loss of protein function (PMID: 16199547), and loss-of-function variants in ACADM are known to be pathogenic (PMID: 16121256, 20434380). This variant is not present in population databases (gnomAD no frequency). Disruption of this splice site has been observed in individual(s) with MCAD deficiency (PMID: 15832312). Algorithms developed to predict the effect of sequence changes on RNA splicing suggest that this variant may disrupt the consensus splice site. For these reasons, this variant has been classified as Pathogenic.

Literature cited by the submitters: PubMed 16199547; PubMed 16121256; PubMed 20434380; PubMed 15832312.

NM_000016.6(ACADM):c.850-1G>C

Gene: ACADM (acyl-CoA dehydrogenase medium chain; plus strand). Cytogenetic location: 1p31.1.
Variant type: single nucleotide variant.
Coding change: c.850-1G>C on transcript NM_000016.6 (MANE Select); the canonical splice acceptor site of the intron before coding-DNA position 850, G replaced by C.
Molecular consequence: splice acceptor variant.
Genome position (GRCh38, 1-based): chr1:75,750,450, G>C. VCF-style: chr1-75750450-G-C. GRCh37 (hg19) VCF-style: chr1-76216135-G-C.
Other names: c.862-1G>C (NM_001127328.3); c.949-1G>C (NM_001286043.2); c.742-1G>C (NM_001286042.2); c.283-1G>C (NM_001286044.2).
Identifiers: ClinVar variation 3652215 (VCV003652215.2).